The following is an entry in ClinVar:

NM_004006.3(DMD):c.31+82921G>A

Gene: DMD (dystrophin; minus strand). Cytogenetic location: Xp21.1.
Variant type: single nucleotide variant.
Coding change: c.31+82921G>A on transcript NM_004006.3 (MANE Select); 82921 bases into the intron after coding-DNA position 31, G replaced by A.
Molecular consequence: intron variant. On other transcripts: 5 prime UTR variant (2).
Genome position (GRCh38, 1-based): chrX:33,128,361, C>T on the plus strand (G>A on the coding strand, the complement: DMD is on the minus strand). VCF-style: chrX-33128361-C-T. GRCh37 (hg19) VCF-style: chrX-33146478-C-T.
Other names: c.-196G>A (NM_004009.3); c.-637G>A (NM_004010.3); c.8-108161G>A (NM_000109.4).
Identifiers: ClinVar variation 675398 (VCV000675398.1), dbSNP rs7050537, ClinGen allele CA222366.

ClinVar aggregate classification (germline): Benign (1 of 4 stars; one submission).

Allele frequency attached by ClinVar (database versions not stated): gnomAD exomes 0.00132; gnomAD 0.01413 and 0.01496; 1000 Genomes Project 0.01536; TOPMed 0.01549; 1000 Genomes Project 30x 0.01707.
gnomAD v4.1: 2,835 of 1,023,664 alleles (0.28%); highest among the groups gnomAD compares: African/African-American, 4.9%; 57 homozygotes.

Submission:

GeneDx
Classification: Benign. Last evaluated: 2018-06-14. Review status: criteria provided, single submitter. Criteria: GeneDx Variant Classification (06012015). Collection method: clinical testing. Allele origin: germline. Affected: yes.
Comment: This variant is considered likely benign or benign based on one or more of the following criteria: it is a conservative change, it occurs at a poorly conserved position in the protein, it is predicted to be benign by multiple in silico algorithms, and/or has population frequency not consistent with disease.